The following is an entry in ClinVar:

NM_000540.3(RYR1):c.3344G>A (p.Gly1115Glu)

Gene: RYR1 (ryanodine receptor 1; plus strand). Cytogenetic location: 19q13.2.
Variant type: single nucleotide variant.
Coding change: c.3344G>A on transcript NM_000540.3 (MANE Select); coding-DNA position 3344, G replaced by A.
Protein change: p.Gly1115Glu; replaces glycine 1115 with glutamic acid.
Molecular consequence: missense variant.
Genome position (GRCh38, 1-based): chr19:38,467,775, G>A. VCF-style: chr19-38467775-G-A. GRCh37 (hg19) VCF-style: chr19-38958415-G-A.
Other names: c.3344G>A, p.Gly1115Glu (NM_001042723.2); short protein forms G1115E.
Identifiers: ClinVar variation 4778221 (VCV004778221.1).

ClinVar aggregate classification (germline): Uncertain significance (1 of 4 stars; one submission).

Conditions:
RYR1-related disorder. Also called: RYR1-related condition; RYR1-related disorders. Identifiers: MedGen CN239331.

gnomAD v4.1: 1 of 1,614,162 alleles (0.000062%); highest among the groups gnomAD compares: East Asian, 0.0022%; no homozygotes.

Submission:

Labcorp Genetics (formerly Invitae), Labcorp
Classification: Uncertain significance for RYR1-related disorder. Last evaluated: 2025-04-23. Review status: criteria provided, single submitter. Criteria: Invitae Variant Classification Sherloc (09022015). Collection method: clinical testing. Allele origin: germline.
Comment: This sequence change replaces glycine, which is neutral and non-polar, with glutamic acid, which is acidic and polar, at codon 1115 of the RYR1 protein (p.Gly1115Glu). This variant is not present in population databases (gnomAD no frequency). This variant has not been reported in the literature in individuals affected with RYR1-related conditions. Invitae Evidence Modeling of protein sequence and biophysical properties (such as structural, functional, and spatial information, amino acid conservation, physicochemical variation, residue mobility, and thermodynamic stability) indicates that this missense variant is expected to disrupt RYR1 protein function with a positive predictive value of 95%. In summary, the available evidence is currently insufficient to determine the role of this variant in disease. Therefore, it has been classified as a Variant of Uncertain Significance.